The following is an entry in ClinVar:

NM_001350451.2(RBFOX3):c.118C>T (p.Pro40Ser)

Gene: RBFOX3 (RNA binding fox-1 homolog 3; minus strand). Cytogenetic location: 17q25.3.
Variant type: single nucleotide variant.
Coding change: c.118C>T on transcript NM_001350451.2 (MANE Select); coding-DNA position 118, C replaced by T.
Protein change: p.Pro40Ser; replaces proline 40 with serine.
Molecular consequence: missense variant.
Genome position (GRCh38, 1-based): chr17:79,115,598, G>A on the plus strand (C>T on the coding strand, the complement: RBFOX3 is on the minus strand). VCF-style: chr17-79115598-G-A. GRCh37 (hg19) VCF-style: chr17-77111680-G-A.
Other names: c.118C>T, p.Pro40Ser (NM_001082575.3, NM_001350453.2, NM_001385804.1 and 43 more transcripts); short protein forms P40S.
Identifiers: ClinVar variation 961789 (VCV000961789.9), dbSNP rs1298625389, ClinGen allele CA401318058.

ClinVar aggregate classification (germline): Uncertain significance (1 of 4 stars; one submission).

Conditions:
Idiopathic generalized epilepsy. Also called: Generalised epilepsy; EIG. Identifiers: MedGen C0270850, MONDO:0005579, OMIM 600669.

Allele frequency attached by ClinVar (database versions not stated): TOPMed 0.00001.

Submission:

Labcorp Genetics (formerly Invitae), Labcorp
Classification: Uncertain significance for Idiopathic generalized epilepsy. Last evaluated: 2023-11-13. Review status: criteria provided, single submitter. Criteria: Invitae Variant Classification Sherloc (09022015). Collection method: clinical testing. Allele origin: germline.
Comment: This sequence change replaces proline, which is neutral and non-polar, with serine, which is neutral and polar, at codon 40 of the RBFOX3 protein (p.Pro40Ser). This variant is not present in population databases (gnomAD no frequency). This variant has not been reported in the literature in individuals affected with RBFOX3-related conditions. ClinVar contains an entry for this variant (Variation ID: 961789). An algorithm developed to predict the effect of missense changes on protein structure and function (PolyPhen-2) suggests that this variant is likely to be tolerated. In summary, the available evidence is currently insufficient to determine the role of this variant in disease. Therefore, it has been classified as a Variant of Uncertain Significance.